The following is an entry in ClinVar:

ClinVar aggregate classification (germline): Uncertain significance. Review status: criteria provided, multiple submitters, no conflicts (2 of 4 stars). 2 submissions from 2 submitters: Uncertain significance (2). Last evaluated 2023-06-04.

Conditions:
Inborn genetic diseases. Identifiers: MedGen C0950123, MeSH D030342.

Allele frequency attached by ClinVar (database versions not stated): gnomAD exomes below 0.00001; gnomAD 0.00001; ExAC 0.00002; TOPMed 0.00003.
gnomAD v4.1: 4 of 1,600,858 alleles (0.00025%); highest among the groups gnomAD compares: African/African-American, 0.004%; no homozygotes.

Submissions (2):

Labcorp Genetics (formerly Invitae), Labcorp
Classification: Uncertain significance. Last evaluated: 2023-06-04. Review status: criteria provided, single submitter. Criteria: Invitae Variant Classification Sherloc (09022015). Collection method: clinical testing. Allele origin: germline.
Comment: In summary, the available evidence is currently insufficient to determine the role of this variant in disease. Therefore, it has been classified as a Variant of Uncertain Significance. An algorithm developed to predict the effect of missense changes on protein structure and function (PolyPhen-2) suggests that this variant is likely to be disruptive. ClinVar contains an entry for this variant (Variation ID: 2321948). This variant has not been reported in the literature in individuals affected with PRDM13-related conditions. This variant is present in population databases (rs757654294, gnomAD 0.01%). This sequence change replaces leucine, which is neutral and non-polar, with arginine, which is basic and polar, at codon 507 of the PRDM13 protein (p.Leu507Arg).

Ambry Genetics
Classification: Uncertain significance for Inborn genetic diseases. Last evaluated: 2022-11-01. Review status: criteria provided, single submitter. Criteria: Ambry Variant Classification Scheme 2023. Collection method: clinical testing. Allele origin: germline.

NM_021620.4(PRDM13):c.1520T>G (p.Leu507Arg)

Gene: PRDM13 (PR/SET domain 13; plus strand). Cytogenetic location: 6q16.2.
Variant type: single nucleotide variant.
Coding change: c.1520T>G on transcript NM_021620.4 (MANE Select); coding-DNA position 1520, T replaced by G.
Protein change: p.Leu507Arg; replaces leucine 507 with arginine.
Molecular consequence: missense variant.
Genome position (GRCh38, 1-based): chr6:99,614,155, T>G. VCF-style: chr6-99614155-T-G. GRCh37 (hg19) VCF-style: chr6-100062031-T-G.
Other names: short protein forms L507R.
Identifiers: ClinVar variation 2321948 (VCV002321948.5), dbSNP rs757654294, ClinGen allele CA3936396.